The following is an entry in ClinVar:

NM_012188.5(FOXI1):c.972G>C (p.Pro324=)

Gene: FOXI1 (forkhead box I1; plus strand). Cytogenetic location: 5q35.1.
Variant type: single nucleotide variant.
Coding change: c.972G>C on transcript NM_012188.5 (MANE Select); coding-DNA position 972, G replaced by C.
Protein change: p.Pro324=; no amino-acid change (proline 324 retained).
Molecular consequence: synonymous variant.
Genome position (GRCh38, 1-based): chr5:170,108,446, G>C. VCF-style: chr5-170108446-G-C. GRCh37 (hg19) VCF-style: chr5-169535450-G-C.
Other names: p.Pro324=; c.687G>C, p.Pro229= (NM_144769.4).
Identifiers: ClinVar variation 352710 (VCV000352710.15), dbSNP rs56128152, ClinGen allele CA3555146.

ClinVar aggregate classification (germline): Conflicting classifications of pathogenicity. Review status: criteria provided, conflicting classifications (1 of 4 stars). 5 submissions from 5 submitters: Uncertain significance (1); Benign (4). Last evaluated 2026-01-30.

Conditions:
Autosomal recessive nonsyndromic hearing loss 4 (DFNB4). Also called: FOXI1-Related Pendred Syndrome; KCNJ10-Related Pendred Syndrome; DEAFNESS, AUTOSOMAL RECESSIVE 4, WITH ENLARGED VESTIBULAR AQUEDUCT, DIGENIC; Deafness, autosomal recessive 4; NEUROSENSORY NONSYNDROMIC RECESSIVE DEAFNESS 4; Deafness, autosomal recessive 4, with enlarged vestibular aqueduct. Identifiers: Orphanet 90636, MedGen C3538946, MONDO:0010933, OMIM 600791.

Allele frequency attached by ClinVar (database versions not stated): TOPMed 0.01105; ESP Exome Variant Server 0.01384; 1000 Genomes Project 30x 0.00468; 1000 Genomes Project 0.00499.
gnomAD v4.1: 25,994 of 1,602,972 alleles (1.6%); highest among the groups gnomAD compares: Non-Finnish European, 1.9%; 267 homozygotes.

Submissions (5):

Labcorp Genetics (formerly Invitae), Labcorp
Classification: Benign. Last evaluated: 2026-01-30. Review status: criteria provided, single submitter. Criteria: Invitae Variant Classification Sherloc (09022015). Collection method: clinical testing. Allele origin: germline.

Mayo Clinic Laboratories, Mayo Clinic
Classification: Benign. Last evaluated: 2024-06-12. Review status: criteria provided, single submitter. Criteria: ACMG Guidelines, 2015. Collection method: clinical testing. Allele origin: germline. Observed: 9 variant alleles.
Comment: BA1, BS2, BP4, BP7

GeneDx
Classification: Benign. Last evaluated: 2020-01-14. Review status: criteria provided, single submitter. Criteria: GeneDx Variant Classification Process June 2021. Collection method: clinical testing. Allele origin: germline. Affected: yes.

Athena Diagnostics
Classification: Benign. Last evaluated: 2018-07-31. Review status: criteria provided, single submitter. Criteria: Athena Diagnostics Criteria. Collection method: clinical testing. Allele origin: germline.

Illumina Laboratory Services, Illumina
Classification: Uncertain significance for Autosomal recessive nonsyndromic hearing loss 4. Last evaluated: 2018-01-13. Review status: criteria provided, single submitter. Criteria: ICSL Variant Classification Criteria 13 December 2019. Collection method: clinical testing. Allele origin: germline.